The following is an entry in ClinVar:

ClinVar aggregate classification (germline): Uncertain significance (0 of 4 stars; one submission).

Conditions:
BBS10-related disorder. Also called: BBS10-related condition.

gnomAD v4.1: 21 of 1,612,994 alleles (0.0013%); highest among the groups gnomAD compares: Non-Finnish European, 0.0017%; no homozygotes.

Submission:

PreventionGenetics, part of Exact Sciences
Classification: Uncertain significance for BBS10-related condition. Last evaluated: 2024-09-22. Review status: no assertion criteria provided. Collection method: clinical testing. Allele origin: germline.
Comment: The BBS10 c.172C>A variant is predicted to result in the amino acid substitution p.Leu58Ile. To our knowledge, this variant has not been reported in the literature. This variant is reported in 0.0029% of alleles in individuals of Latino descent in gnomAD. At this time, the clinical significance of this variant is uncertain due to the absence of conclusive functional and genetic evidence.

NM_024685.4(BBS10):c.172C>A (p.Leu58Ile)

Gene: BBS10 (Bardet-Biedl syndrome 10; minus strand). Cytogenetic location: 12q21.2.
Variant type: single nucleotide variant.
Coding change: c.172C>A on transcript NM_024685.4 (MANE Select); coding-DNA position 172, C replaced by A.
Protein change: p.Leu58Ile; replaces leucine 58 with isoleucine.
Molecular consequence: missense variant.
Genome position (GRCh38, 1-based): chr12:76,348,187, G>T on the plus strand (C>A on the coding strand, the complement: BBS10 is on the minus strand). VCF-style: chr12-76348187-G-T. GRCh37 (hg19) VCF-style: chr12-76741967-G-T.
Other names: short protein forms L58I.
Identifiers: ClinVar variation 3357241 (VCV003357241.1).